The following is an entry in ClinVar:

NM_001273.5(CHD4):c.2074G>A (p.Val692Met)

Gene: CHD4 (chromodomain helicase DNA binding protein 4; minus strand). Cytogenetic location: 12p13.31.
Variant type: single nucleotide variant.
Coding change: c.2074G>A on transcript NM_001273.5 (MANE Select); coding-DNA position 2074, G replaced by A.
Protein change: p.Val692Met; replaces valine 692 with methionine.
Molecular consequence: missense variant.
Genome position (GRCh38, 1-based): chr12:6,595,381, C>T on the plus strand (G>A on the coding strand, the complement: CHD4 is on the minus strand). VCF-style: chr12-6595381-C-T. GRCh37 (hg19) VCF-style: chr12-6704547-C-T.
Other names: c.2053G>A, p.Val685Met (NM_001297553.2); c.2035G>A, p.Val679Met (NM_001363606.2); short protein forms V679M, V685M, V692M.
Identifiers: ClinVar variation 1304523 (VCV001304523.2), dbSNP rs2136217454, ClinGen allele CA383595721.

ClinVar aggregate classification (germline): Uncertain significance (1 of 4 stars; one submission).

Submission:

GeneDx
Classification: Uncertain significance. Last evaluated: 2020-06-05. Review status: criteria provided, single submitter. Criteria: GeneDx Variant Classification Process June 2021. Collection method: clinical testing. Allele origin: germline. Affected: yes.
Comment: Not observed in large population cohorts (Lek et al., 2016); In silico analysis supports that this missense variant does not alter protein structure/function; Has not been previously published as pathogenic or benign to our knowledge